The following is an entry in ClinVar:

ClinVar aggregate classification (germline): Uncertain significance (1 of 4 stars; one submission).

gnomAD v4.1: 3 of 1,544,660 alleles (0.00019%); highest among the groups gnomAD compares: African/African-American, 0.0027%; no homozygotes.

Submission:

GeneDx
Classification: Uncertain significance. Last evaluated: 2024-05-24. Review status: criteria provided, single submitter. Criteria: GeneDx Variant Classification Process June 2021. Collection method: clinical testing. Allele origin: germline. Affected: yes.
Comment: Has not been previously published as pathogenic or benign to our knowledge; Canonical splice variant in a region of the gene where loss-of-function has not been definitively established as a disease mechanism (PMID: 32599522 )

NM_012309.5(SHANK2):c.484-1G>A

Gene: SHANK2 (SH3 and multiple ankyrin repeat domains 2; minus strand). Cytogenetic location: 11q13.4.
Variant type: single nucleotide variant.
Coding change: c.484-1G>A on transcript NM_012309.5 (MANE Select); the canonical splice acceptor site of the intron before coding-DNA position 484, G replaced by A.
Molecular consequence: splice acceptor variant.
Genome position (GRCh38, 1-based): chr11:71,110,050, C>T on the plus strand (G>A on the coding strand, the complement: SHANK2 is on the minus strand). VCF-style: chr11-71110050-C-T. GRCh37 (hg19) VCF-style: chr11-70821096-C-T.
Identifiers: ClinVar variation 3381397 (VCV003381397.1).